The following is an entry in ClinVar:

NM_031885.5(BBS2):c.1696_1708del (p.Asp566fs)

Gene: BBS2 (Bardet-Biedl syndrome 2; minus strand). Cytogenetic location: 16q13.
Variant type: Deletion.
Coding change: c.1696_1708del on transcript NM_031885.5 (MANE Select); coding-DNA positions 1696 to 1708, 13 bases deleted (GATATCATCCAGT).
Protein change: p.Asp566fs; shifts the reading frame from aspartic acid 566.
Molecular consequence: frameshift variant. On other transcripts: non-coding transcript variant (5).
Genome position (GRCh38, 1-based): chr16:56,497,832-56,497,844, ACTGGATGATATC deleted on the plus strand (GATATCATCCAGT on the coding strand, the reverse complement: BBS2 is on the minus strand); deleting any 13 consecutive bases within chr16:56,497,832-56,497,846 gives the same sequence; the c. name uses the placement nearest the transcript's 3' end. VCF-style (leftmost placement, unchanged base first): chr16-56497831-GACTGGATGATATC-G. GRCh37 (hg19) VCF-style: chr16-56531743-GACTGGATGATATC-G.
Other names: c.1696_1708del, p.Asp566fs (NM_001377456.1); short protein forms D566fs.
Identifiers: ClinVar variation 4816282 (VCV004816282.1).
Genomic context (GRCh38, chr16:56,497,831, plus strand): 5'-AAATAGACAGGAAAATCCGCTTCTACTTGAAGGTCTTCAATAGCAAAAAATGATGCCATT[GACTGGATGATATC>G]ACCAGCCAAATCAATATCATCAGTATTTATAGTGATCTACCCAGAGAAAAAATAGACAAG-3'

ClinVar aggregate classification (germline): Likely pathogenic (1 of 4 stars; one submission).

Conditions:
Bardet-Biedl syndrome 2 (BBS2). Identifiers: Orphanet 110, MedGen C2936863, MONDO:0014432, OMIM 615981.

Submission:

Natera, Inc.
Classification: Likely pathogenic for Bardet-Biedl syndrome type 2. Last evaluated: 2024-03-05. Review status: criteria provided, single submitter. Criteria: Natera Variant Classification Schema (03/2026). Collection method: clinical testing. Allele origin: germline.
Comment: The c.1696_1708delGATATCATCCAGT variant in BBS2 is a frameshift variant predicted to shift the reading frame beginning at codon 566 and leads to a stop codon 13 codons downstream. This variant is expected to result in nonsense mediated decay, truncation, or a dysfunctional protein product. This variant is rare in the general population with a frequency below the threshold expected for the associated phenotype(s). Given the available evidence, this variant is classified as Likely Pathogenic.